The following is an entry in ClinVar:

ClinVar aggregate classification (germline): Uncertain significance (1 of 4 stars; one submission).

Conditions:
Hereditary cancer-predisposing syndrome. Also called: Tumor predisposition; Hereditary neoplastic syndrome; Hereditary Cancer Syndrome; Neoplastic Syndromes, Hereditary. Identifiers: Orphanet 140162, MedGen C0027672, MeSH D009386, MONDO:0015356.

Submission:

Ambry Genetics
Classification: Uncertain significance for Hereditary cancer-predisposing syndrome. Last evaluated: 2023-09-20. Review status: criteria provided, single submitter. Criteria: Ambry Variant Classification Scheme 2023. Collection method: clinical testing. Allele origin: germline.
Comment: The p.K52N variant (also known as c.156G>C), located in coding exon 1 of the ALK gene, results from a G to C substitution at nucleotide position 156. The lysine at codon 52 is replaced by asparagine, an amino acid with similar properties. This amino acid position is conserved. In addition, this alteration is predicted to be tolerated by in silico analysis. Since supporting evidence is limited at this time, the clinical significance of this alteration remains unclear.

NM_004304.5(ALK):c.156G>C (p.Lys52Asn)

Gene: ALK (ALK receptor tyrosine kinase; minus strand). Cytogenetic location: 2p23.1.
Variant type: single nucleotide variant.
Coding change: c.156G>C on transcript NM_004304.5 (MANE Select); coding-DNA position 156, G replaced by C.
Protein change: p.Lys52Asn; replaces lysine 52 with asparagine.
Molecular consequence: missense variant.
Genome position (GRCh38, 1-based): chr2:29,920,504, C>G on the plus strand (G>C on the coding strand, the complement: ALK is on the minus strand). VCF-style: chr2-29920504-C-G. GRCh37 (hg19) VCF-style: chr2-30143370-C-G.
Other names: short protein forms K52N.
Identifiers: ClinVar variation 3223795 (VCV003223795.1), dbSNP rs2465867436, ClinGen allele CA346590588.